The following is an entry in ClinVar:

NM_000327.4(ROM1):c.483G>C (p.Glu161Asp)

Gene: ROM1 (retinal outer segment membrane protein 1; plus strand). Cytogenetic location: 11q12.3.
Variant type: single nucleotide variant.
Coding change: c.483G>C on transcript NM_000327.4 (MANE Select); coding-DNA position 483, G replaced by C.
Protein change: p.Glu161Asp; replaces glutamic acid 161 with aspartic acid.
Molecular consequence: missense variant.
Genome position (GRCh38, 1-based): chr11:62,613,764, G>C. VCF-style: chr11-62613764-G-C. GRCh37 (hg19) VCF-style: chr11-62381236-G-C.
Other names: short protein forms E161D.
Identifiers: ClinVar variation 1717446 (VCV001717446.5), dbSNP rs1225011577, ClinGen allele CA380970007.
Genomic context (GRCh38, chr11:62,613,764, plus strand): 5'-GGCTCACTACAAGGACACAGAGGTGCCTGGGCACTGTCAGGCCAAAAGGCTGGTGGATGA[G>C]CTGCAACTGAGGTACCACTGCTGCGGGCGCCACGGGTACAAGGATTGGTTTGGGGTCCAG-3'
Protein context (NP_000318.2, residues 151-171): GHCQAKRLVD[Glu161Asp]LQLRYHCCGR

ClinVar aggregate classification (germline): Uncertain significance (1 of 4 stars; one submission).

Submission:

Labcorp Genetics (formerly Invitae), Labcorp
Classification: Uncertain significance. Last evaluated: 2025-04-28. Review status: criteria provided, single submitter. Criteria: Invitae Variant Classification Sherloc (09022015). Collection method: clinical testing. Allele origin: germline.
Comment: This sequence change replaces glutamic acid, which is acidic and polar, with aspartic acid, which is acidic and polar, at codon 161 of the ROM1 protein (p.Glu161Asp). This variant is not present in population databases (gnomAD no frequency). This variant has not been reported in the literature in individuals affected with ROM1-related conditions. ClinVar contains an entry for this variant (Variation ID: 1717446). Invitae Evidence Modeling of protein sequence and biophysical properties (such as structural, functional, and spatial information, amino acid conservation, physicochemical variation, residue mobility, and thermodynamic stability) indicates that this missense variant is not expected to disrupt ROM1 protein function with a negative predictive value of 80%. In summary, the available evidence is currently insufficient to determine the role of this variant in disease. Therefore, it has been classified as a Variant of Uncertain Significance.